The following is an entry in ClinVar:

NM_019042.5(PUS7):c.213A>C (p.Gly71=)

Gene: PUS7 (pseudouridine synthase 7; minus strand). Cytogenetic location: 7q22.3.
Variant type: single nucleotide variant.
Coding change: c.213A>C on transcript NM_019042.5 (MANE Select); coding-DNA position 213, A replaced by C.
Protein change: p.Gly71=; no amino-acid change (glycine 71 retained).
Molecular consequence: synonymous variant.
Genome position (GRCh38, 1-based): chr7:105,508,300, T>G on the plus strand (A>C on the coding strand, the complement: PUS7 is on the minus strand). VCF-style: chr7-105508300-T-G. GRCh37 (hg19) VCF-style: chr7-105148747-T-G.
Other names: c.213A>C, p.Gly71= (NM_001318163.1, NM_001318164.2).
Identifiers: ClinVar variation 2657918 (VCV002657918.24), dbSNP rs781605797, ClinGen allele CA4426252.

ClinVar aggregate classification (germline): Likely benign (1 of 4 stars; one submission).

Allele frequency attached by ClinVar (database versions not stated): ExAC 0.00001; gnomAD exomes 0.00001.
gnomAD v4.1: 4 of 1,614,150 alleles (0.00025%); highest among the groups gnomAD compares: Non-Finnish European, 0.00025%; no homozygotes.

Submission:

CeGaT Center for Human Genetics Tuebingen
Classification: Likely benign. Last evaluated: 2023-06-01. Review status: criteria provided, single submitter. Criteria: CeGaT Center For Human Genetics Tuebingen Variant Classification Criteria Version 2. Collection method: clinical testing. Allele origin: germline. Affected: yes. Observed: 1 variant allele.
Comment: PUS7: BP4, BP7